The following is an entry in ClinVar:

ClinVar aggregate classification (germline): Pathogenic. Review status: criteria provided, multiple submitters, no conflicts (2 of 4 stars). 2 submissions from 2 submitters: Pathogenic (2). Last evaluated 2021-10-25.

Submissions (2):

Mayo Clinic Laboratories, Mayo Clinic
Classification: Pathogenic. Last evaluated: 2021-10-25. Review status: criteria provided, single submitter. Criteria: ACMG Guidelines, 2015. Collection method: clinical testing. Allele origin: germline.
Comment: PP3, PP5, PM1, PM2, PS1, PS4_moderate

ARUP Laboratories, Molecular Genetics and Genomics, ARUP Laboratories
Classification: Pathogenic. Last evaluated: 2017-05-05. Review status: criteria provided, single submitter. Criteria: ARUP Molecular Germline Variant Investigation Process. Collection method: clinical testing. Allele origin: germline.
Comment: The RET c.1831T>G; p.Cys611Gly variant (rs377767391) has been reported in a family diagnosed with familial medullary thyroid cancer (FTMC) (Oriola 1998), and rated as risk level B by the American Thyroid Association (Wells 2015). It is absent from general population databases (1000 Genomes Project, Exome Variant Server, and Genome Aggregation Database), indicating it is not a common polymorphism. The cysteine at codon 611 is highly conserved and computational algorithms (PolyPhen-2, SIFT) predict that the variant has a significant impact on the protein. Based on available information, this variant is considered pathogenic. References: Oriola J et al. Novel point mutation in exon 10 of the RET proto-oncogene in a family with medullary thyroid carcinoma. Am J Med Genet. 1998 78(3):271-3. Wells S et al. Revised American Thyroid Association Guidelines for the Management of Medullary Thyroid Carcinoma. Thyroid. 2015 25(6):567-610.

Literature cited by the submitters: PubMed 20516206 (cited by Mayo Clinic Laboratories, Mayo Clinic); PubMed 25810047 (cited by Mayo Clinic Laboratories, Mayo Clinic); PubMed 30763276 (cited by Mayo Clinic Laboratories, Mayo Clinic); PubMed 9677065 (cited by Mayo Clinic Laboratories, Mayo Clinic).

NM_020975.6(RET):c.1831T>G (p.Cys611Gly)

Gene: RET (ret proto-oncogene; plus strand). Cytogenetic location: 10q11.21.
Variant type: single nucleotide variant.
Coding change: c.1831T>G on transcript NM_020975.6 (MANE Select); coding-DNA position 1831, T replaced by G.
Protein change: p.Cys611Gly; replaces cysteine 611 with glycine.
Molecular consequence: missense variant.
Genome position (GRCh38, 1-based): chr10:43,113,627, T>G. VCF-style: chr10-43113627-T-G. GRCh37 (hg19) VCF-style: chr10-43609075-T-G.
Other names: c.1831T>G, p.Cys611Gly (NM_000323.2, NM_001406743.1, NM_001406744.1 and 6 more transcripts); c.1069T>G, p.Cys357Gly (NM_001355216.2); c.1702T>G, p.Cys568Gly (NM_001406761.1, NM_001406762.1, NM_001406764.1 and 1 more transcripts); c.1543T>G, p.Cys515Gly (NM_001406766.1, NM_001406767.1, NM_001406770.1); c.1435T>G, p.Cys479Gly (NM_001406769.1, NM_001406772.1); c.1393T>G, p.Cys465Gly (NM_001406771.1, NM_001406773.1); c.1306T>G, p.Cys436Gly (NM_001406774.1); c.1105T>G, p.Cys369Gly (NM_001406775.1, NM_001406776.1, NM_001406777.1 and 1 more transcripts); and 5 more; short protein forms C357G, C281G, C436G, C465G, C369G, C216G, C269G, C312G.
Identifiers: ClinVar variation 24897 (VCV000024897.12), dbSNP rs377767391, ClinGen allele CA007883.